The following is an entry in ClinVar:

ClinVar aggregate classification (germline): Likely benign. Review status: criteria provided, multiple submitters, no conflicts (2 of 4 stars). 2 submissions from 2 submitters: Likely benign (2). Last evaluated 2023-11-02.

Conditions:
Malignant hyperthermia, susceptibility to, 1 (MHS1). Also called: Anesthesia related hyperthermia; Malignant hyperpyrexia; Fulminating hyperpyrexia; Pharmacogenic myopathy; RYR1-Related Malignant Hyperthermia Susceptibility; Malignant hyperthermia suceptibility 1. Identifiers: Orphanet 423, MedGen C2930980, MONDO:0007783, OMIM 145600.
RYR1-related disorder. Also called: RYR1-related condition; RYR1-related disorders. Identifiers: MedGen CN239331.

Submissions (2):

All of Us Research Program, National Institutes of Health
Classification: Likely benign for Malignant hyperthermia, susceptibility to, 1. Last evaluated: 2023-11-02. Review status: criteria provided, single submitter. Criteria: ACMG Guidelines, 2015. Collection method: clinical testing. Allele origin: germline. Inheritance: Autosomal dominant inheritance. Observed: 1 variant allele, 1 heterozygote.
Comment: This study involves interpretation of variants in research participants for the purpose of population health screening. Participant phenotype was not available at the time of variant classification. Additional details can be found in publication PMID: 35346344, PMCID: PMC8962531

Labcorp Genetics (formerly Invitae), Labcorp
Classification: Likely benign for RYR1-related disorder. Last evaluated: 2023-08-29. Review status: criteria provided, single submitter. Criteria: Invitae Variant Classification Sherloc (09022015). Collection method: clinical testing. Allele origin: germline.

NM_000540.3(RYR1):c.3258C>T (p.Arg1086=)

Gene: RYR1 (ryanodine receptor 1; plus strand). Cytogenetic location: 19q13.2.
Variant type: single nucleotide variant.
Coding change: c.3258C>T on transcript NM_000540.3 (MANE Select); coding-DNA position 3258, C replaced by T.
Protein change: p.Arg1086=; no amino-acid change (arginine 1086 retained).
Molecular consequence: synonymous variant.
Genome position (GRCh38, 1-based): chr19:38,467,689, C>T. VCF-style: chr19-38467689-C-T. GRCh37 (hg19) VCF-style: chr19-38958329-C-T.
Other names: c.3258C>T, p.Arg1086= (NM_001042723.2).
Identifiers: ClinVar variation 3010527 (VCV003010527.4), dbSNP rs2514101822, ClinGen allele CA507234663.